The following is an entry in ClinVar:

ClinVar aggregate classification (germline): Pathogenic (1 of 4 stars; one submission).

Submission:

Labcorp Genetics (formerly Invitae), Labcorp
Classification: Pathogenic. Last evaluated: 2024-07-07. Review status: criteria provided, single submitter. Criteria: Invitae Variant Classification Sherloc (09022015). Collection method: clinical testing. Allele origin: germline.
Comment: This variant results in the deletion of part of exon 31 (c.3754-17_3820del) of the ABCC8 gene. It is expected to disrupt RNA splicing. Variants that disrupt the donor or acceptor splice site typically lead to a loss of protein function (PMID: 16199547), and loss-of-function variants in ABCC8 are known to be pathogenic (PMID: 20685672, 23345197). This variant is not present in population databases (gnomAD no frequency). This variant has not been reported in the literature in individuals affected with ABCC8-related conditions. This variant disrupts a region of the ABCC8 protein in which other variant(s) (p.Ala1262Thr) have been determined to be pathogenic (PMID: 21981106, 26092864). This suggests that this is a clinically significant region of the protein, and that variants that disrupt it are likely to be disease-causing. For these reasons, this variant has been classified as Pathogenic.

Literature cited by the submitters: PubMed 16199547; PubMed 20685672; PubMed 23345197; PubMed 21981106; PubMed 26092864.

NM_000352.6(ABCC8):c.3754-17_3820del

Gene: ABCC8 (ATP binding cassette subfamily C member 8; minus strand). Cytogenetic location: 11p15.1.
Variant type: Deletion.
Coding change: c.3754-17_3820del on transcript NM_000352.6 (MANE Select); 17 bases into the intron before coding-DNA position 3754 through coding-DNA position 3820, 84 bases deleted.
Molecular consequence: splice acceptor variant.
Genome position (GRCh38, 1-based): chr11:17,397,731-17,397,814, 84 bases deleted. GRCh37 (hg19): chr11:17,419,279-17,419,362.
Other names: c.3751-17_3817del (NM_001351297.2); c.3754-17_3820del (NM_001351296.2); c.3820-17_3886del (NM_001351295.2); c.3757-17_3823del (NM_001287174.3).
Identifiers: ClinVar variation 3655078 (VCV003655078.2).